The following is an entry in ClinVar:

NM_015509.4(NECAP1):c.137G>A (p.Arg46His)

Gene: NECAP1 (NECAP endocytosis associated 1; plus strand). Cytogenetic location: 12p13.31.
Variant type: single nucleotide variant.
Coding change: c.137G>A on transcript NM_015509.4 (MANE Select); coding-DNA position 137, G replaced by A.
Protein change: p.Arg46His; replaces arginine 46 with histidine.
Molecular consequence: missense variant. On other transcripts: non-coding transcript variant (1).
Genome position (GRCh38, 1-based): chr12:8,089,977, G>A. VCF-style: chr12-8089977-G-A. GRCh37 (hg19) VCF-style: chr12-8242573-G-A.
Other names: short protein forms R46H.
Identifiers: ClinVar variation 1438864 (VCV001438864.6), dbSNP rs751979807, ClinGen allele CA6432174.

ClinVar aggregate classification (germline): Uncertain significance (1 of 4 stars; one submission).

Conditions:
Developmental and epileptic encephalopathy, 21 (DEE21). Also called: Early infantile epileptic encephalopathy 21. Identifiers: Orphanet 442835, MedGen C4014430, MONDO:0014360, OMIM 615833.

Allele frequency attached by ClinVar (database versions not stated): TOPMed below 0.00001; gnomAD exomes 0.00001 and 0.00002; ExAC 0.00002.
gnomAD v4.1: 17 of 1,614,112 alleles (0.0011%); highest among the groups gnomAD compares: South Asian, 0.0099%; no homozygotes.

Submission:

Labcorp Genetics (formerly Invitae), Labcorp
Classification: Uncertain significance for Developmental and epileptic encephalopathy, 21. Last evaluated: 2024-10-24. Review status: criteria provided, single submitter. Criteria: Invitae Variant Classification Sherloc (09022015). Collection method: clinical testing. Allele origin: germline.
Comment: This sequence change replaces arginine, which is basic and polar, with histidine, which is basic and polar, at codon 46 of the NECAP1 protein (p.Arg46His). This variant is present in population databases (rs751979807, gnomAD 0.01%). This variant has not been reported in the literature in individuals affected with NECAP1-related conditions. ClinVar contains an entry for this variant (Variation ID: 1438864). An algorithm developed to predict the effect of missense changes on protein structure and function (PolyPhen-2) suggests that this variant is likely to be disruptive. In summary, the available evidence is currently insufficient to determine the role of this variant in disease. Therefore, it has been classified as a Variant of Uncertain Significance.